The following is an entry in ClinVar:

NM_001385641.1(SAMD11):c.1158C>A (p.Asp386Glu)

Gene: SAMD11 (sterile alpha motif domain containing 11; plus strand). Cytogenetic location: 1p36.33.
Variant type: single nucleotide variant.
Coding change: c.1158C>A on transcript NM_001385641.1 (MANE Select); coding-DNA position 1158, C replaced by A.
Protein change: p.Asp386Glu; replaces aspartic acid 386 with glutamic acid.
Molecular consequence: missense variant.
Genome position (GRCh38, 1-based): chr1:939,375, C>A. VCF-style: chr1-939375-C-A. GRCh37 (hg19) VCF-style: chr1-874755-C-A.
Other names: c.1161C>A, p.Asp387Glu (NM_001385640.1); c.621C>A, p.Asp207Glu (NM_152486.4); short protein forms D207E, D386E, D387E.
Identifiers: ClinVar variation 3621032 (VCV003621032.2).

ClinVar aggregate classification (germline): Uncertain significance (1 of 4 stars; one submission).

gnomAD v4.1: 1 of 1,605,052 alleles (0.000062%); highest among the groups gnomAD compares: Middle Eastern, 0.017%; no homozygotes.

Submission:

Labcorp Genetics (formerly Invitae), Labcorp
Classification: Uncertain significance. Last evaluated: 2024-12-12. Review status: criteria provided, single submitter. Criteria: Invitae Variant Classification Sherloc (09022015). Collection method: clinical testing. Allele origin: germline.
Comment: This sequence change replaces aspartic acid, which is acidic and polar, with glutamic acid, which is acidic and polar, at codon 207 of the SAMD11 protein (p.Asp207Glu). This variant is not present in population databases (gnomAD no frequency). This variant has not been reported in the literature in individuals affected with SAMD11-related conditions. An algorithm developed to predict the effect of missense changes on protein structure and function outputs the following: PolyPhen-2: "Benign". The glutamic acid amino acid residue is found in multiple mammalian species, which suggests that this missense change does not adversely affect protein function. In summary, the available evidence is currently insufficient to determine the role of this variant in disease. Therefore, it has been classified as a Variant of Uncertain Significance.